The following is an entry in ClinVar:

NM_032608.7(MYO18B):c.5200_5208del (p.Lys1734_Arg1736del)

Gene: MYO18B (myosin XVIIIB; plus strand). Cytogenetic location: 22q12.1.
Variant type: Deletion.
Coding change: c.5200_5208del on transcript NM_032608.7 (MANE Select); coding-DNA positions 5200 to 5208, 9 bases deleted (AAGGACCGT; older notation c.5200_5208delAAGGACCGT).
Protein change: p.Lys1734_Arg1736del.
Molecular consequence: inframe deletion.
Genome position (GRCh38, 1-based): chr22:25,908,373-25,908,381, AAGGACCGT deleted. VCF-style (leftmost placement, unchanged base first): chr22-25908372-GAAGGACCGT-G. GRCh37 (hg19) VCF-style: chr22-26304339-GAAGGACCGT-G.
Other names: c.5203_5211del, p.Lys1735_Arg1737del (NM_001318245.2).
Identifiers: ClinVar variation 2021181 (VCV002021181.4), dbSNP rs2517891402, ClinGen allele CA2580099346.

ClinVar aggregate classification (germline): Uncertain significance (1 of 4 stars; one submission).

Submission:

Labcorp Genetics (formerly Invitae), Labcorp
Classification: Uncertain significance. Last evaluated: 2022-08-02. Review status: criteria provided, single submitter. Criteria: Invitae Variant Classification Sherloc (09022015). Collection method: clinical testing. Allele origin: germline.
Comment: In summary, the available evidence is currently insufficient to determine the role of this variant in disease. Therefore, it has been classified as a Variant of Uncertain Significance. This variant, c.5200_5208del, results in the deletion of 3 amino acid(s) of the MYO18B protein (p.Lys1734_Arg1736del), but otherwise preserves the integrity of the reading frame. This variant is not present in population databases (gnomAD no frequency). This variant has not been reported in the literature in individuals affected with MYO18B-related conditions. Experimental studies and prediction algorithms are not available or were not evaluated, and the functional significance of this variant is currently unknown.